The following is an entry in ClinVar:

NM_020937.4(FANCM):c.2838_2840dup (p.Asn947_Ser948insAsn)

Gene: FANCM (FA complementation group M; plus strand). Cytogenetic location: 14q21.2.
Variant type: Duplication.
Coding change: c.2838_2840dup on transcript NM_020937.4 (MANE Select); coding-DNA positions 2838 to 2840, 3 bases duplicated (TAA; older notation c.2838_2840dupTAA).
Protein change: p.Asn947_Ser948insAsn.
Genome position (GRCh38, 1-based): chr14:45,175,592-45,175,594, TAA duplicated; duplicating any 3 consecutive bases within chr14:45,175,591-45,175,594 gives the same sequence; the c. name uses the placement nearest the transcript's 3' end. VCF-style (leftmost placement, unchanged base first): chr14-45175590-T-TATA. GRCh37 (hg19) VCF-style: chr14-45644793-T-TATA.
Other names: c.2760_2762dup, p.Asn921_Ser922insAsn (NM_001308133.2).
Identifiers: ClinVar variation 3359932 (VCV003359932.1).

ClinVar aggregate classification (germline): Uncertain significance (1 of 4 stars; one submission).

Submission:

GeneDx
Classification: Uncertain significance. Last evaluated: 2023-06-15. Review status: criteria provided, single submitter. Criteria: GeneDx Variant Classification Process June 2021. Collection method: clinical testing. Allele origin: germline. Affected: yes.
Comment: Not observed at significant frequency in large population cohorts (gnomAD); In-frame insertion of 1 amino acid in a non-repeat region; Has not been previously published as pathogenic or benign to our knowledge